The following is an entry in ClinVar:

NM_177438.3(DICER1):c.4814C>G (p.Pro1605Arg)

Gene: DICER1 (dicer 1, ribonuclease III; minus strand). Cytogenetic location: 14q32.13.
Variant type: single nucleotide variant.
Coding change: c.4814C>G on transcript NM_177438.3 (MANE Select); coding-DNA position 4814, C replaced by G.
Protein change: p.Pro1605Arg; replaces proline 1605 with arginine.
Molecular consequence: missense variant.
Genome position (GRCh38, 1-based): chr14:95,096,106, G>C on the plus strand (C>G on the coding strand, the complement: DICER1 is on the minus strand). VCF-style: chr14-95096106-G-C. GRCh37 (hg19) VCF-style: chr14-95562443-G-C.
Other names: c.4814C>G, p.Pro1605Arg (NM_001195573.1, NM_001271282.3, NM_001291628.2 and 1 more transcripts); short protein forms P1605R.
Identifiers: ClinVar variation 943129 (VCV000943129.18), dbSNP rs939314926, ClinGen allele CA265897896.
Genomic context (GRCh38, chr14:95,096,106, plus strand): 5'-GAAGCAGCAGCACAGCTCACTGAAAGGTTCTTTTGTTGGCTGTTGAAATTCTCCCGAGTA[G>C]GGCACAGGGCCTTTTCCCGATCAGTCCTTTTAATTACCGGGAGCACCTTCAGCCCCAGTG-3'
Protein context (NP_803187.1, residues 1595-1615): KRTDREKALC[Pro1605Arg]TRENFNSQQK

ClinVar aggregate classification (germline): Uncertain significance. Review status: criteria provided, multiple submitters, no conflicts (2 of 4 stars). 3 submissions from 3 submitters: Uncertain significance (3). Last evaluated 2025-10-01.

Conditions:
DICER1-related tumor predisposition. Also called: DICER1-related pleuropulmonary blastoma cancer predisposition syndrome; DICER1 syndrome. Identifiers: Orphanet 284343, MedGen C3839822, MONDO:0100216.
Hereditary cancer-predisposing syndrome. Also called: Neoplastic Syndromes, Hereditary; Hereditary neoplastic syndrome; Hereditary Cancer Syndrome; Tumor predisposition. Identifiers: Orphanet 140162, MedGen C0027672, MeSH D009386, MONDO:0015356.

Allele frequency attached by ClinVar (database versions not stated): gnomAD exomes below 0.00001; TOPMed below 0.00001.
gnomAD v4.1: 1 of 1,614,186 alleles (0.000062%); highest among the groups gnomAD compares: Non-Finnish European, 0.000085%; no homozygotes.

Submissions (3):

Labcorp Genetics (formerly Invitae), Labcorp
Classification: Uncertain significance for DICER1-related tumor predisposition. Last evaluated: 2025-10-01. Review status: criteria provided, single submitter. Criteria: Invitae Variant Classification Sherloc (09022015). Collection method: clinical testing. Allele origin: germline.
Comment: This sequence change replaces proline, which is neutral and non-polar, with arginine, which is basic and polar, at codon 1605 of the DICER1 protein (p.Pro1605Arg). This variant is not present in population databases (gnomAD no frequency). This variant has not been reported in the literature in individuals affected with DICER1-related conditions. ClinVar contains an entry for this variant (Variation ID: 943129). Invitae Evidence Modeling of protein sequence and biophysical properties (such as structural, functional, and spatial information, amino acid conservation, physicochemical variation, residue mobility, and thermodynamic stability) indicates that this missense variant is not expected to disrupt DICER1 protein function with a negative predictive value of 95%. In summary, the available evidence is currently insufficient to determine the role of this variant in disease. Therefore, it has been classified as a Variant of Uncertain Significance.

Center for Genomic Medicine, Rigshospitalet, Copenhagen University Hospital
Classification: Uncertain significance. Last evaluated: 2025-03-04. Review status: criteria provided, single submitter. Criteria: ACMG Guidelines, 2015. Collection method: clinical testing. Allele origin: germline.

Ambry Genetics
Classification: Uncertain significance for Hereditary cancer-predisposing syndrome. Last evaluated: 2024-04-11. Review status: criteria provided, single submitter. Criteria: Ambry Variant Classification Scheme 2023. Collection method: clinical testing. Allele origin: germline.
Comment: The p.P1605R variant (also known as c.4814C>G), located in coding exon 22 of the DICER1 gene, results from a C to G substitution at nucleotide position 4814. The proline at codon 1605 is replaced by arginine, an amino acid with dissimilar properties. This amino acid position is well conserved in available vertebrate species. In addition, the in silico prediction for this alteration is inconclusive. Based on the available evidence, the clinical significance of this variant remains unclear.